The following is an entry in ClinVar:

NM_001136046.3(ZMYND15):c.593-1G>A

Gene: ZMYND15 (zinc finger MYND-type containing 15; plus strand). Cytogenetic location: 17p13.2.
Variant type: single nucleotide variant.
Coding change: c.593-1G>A on transcript NM_001136046.3 (MANE Select); the canonical splice acceptor site of the intron before coding-DNA position 593, G replaced by A.
Molecular consequence: splice acceptor variant.
Genome position (GRCh38, 1-based): chr17:4,741,581, G>A. VCF-style: chr17-4741581-G-A. GRCh37 (hg19) VCF-style: chr17-4644876-G-A.
Other names: c.593-1G>A (NM_001267822.1, NM_032265.2).
Identifiers: ClinVar variation 4845859 (VCV004845859.1).

ClinVar aggregate classification (germline): Likely pathogenic (1 of 4 stars; one submission).

Conditions:
Spermatogenic failure 14 (SPGF14). Identifiers: MedGen C4014454, MONDO:0014366, OMIM 615842.

Submission:

First Genomix Gene Laboratory, Genetic Diagnostics Department
Classification: Likely pathogenic for Spermatogenic failure 14. Last evaluated: 2025-03-27. Review status: criteria provided, single submitter. Criteria: ACMG Guidelines, 2015. Collection method: clinical testing. Allele origin: germline. Inheritance: Autosomal recessive inheritance. Affected: no. Observed: 1 variant allele.